The following is an entry in ClinVar:

NM_000038.6(APC):c.1959-7A>T

Gene: APC (APC regulator of Wnt signaling pathway; plus strand). Cytogenetic location: 5q22.2.
Variant type: single nucleotide variant.
Coding change: c.1959-7A>T on transcript NM_000038.6 (MANE Select); 7 bases into the intron before coding-DNA position 1959, A replaced by T.
Molecular consequence: intron variant.
Genome position (GRCh38, 1-based): chr5:112,837,546, A>T. VCF-style: chr5-112837546-A-T. GRCh37 (hg19) VCF-style: chr5-112173243-A-T.
Other names: c.1656-7A>T (NM_001407460.1, NM_001407458.1, NM_001407459.1 and 1 more transcripts); c.1929-7A>T (NM_001407452.1); c.1572-7A>T (NM_001407469.1, NM_001407467.1); c.2043-7A>T (NM_001407446.1); c.1686-7A>T (NM_001354902.2); c.1905-7A>T (NM_001127511.3); c.2013-7A>T (NM_001407448.1, NM_001407447.1, NM_001407449.1 and 1 more transcripts); c.1959-7A>T (NM_001407450.1, NM_001354895.2, NM_001127510.3); and 11 more.
Identifiers: ClinVar variation 3148758 (VCV003148758.2), dbSNP rs1206621276, ClinGen allele CA2674855970.
Genomic context (GRCh38, chr5:112,837,546, plus strand): 5'-CCTTTTATTTGTTGTTACTGCATACACATTGTGACCTTAATTTTGTGATCTCTTGATTTT[A>T]TTTCAGGCAAATCCTAAGAGAGAACAACTGTCTACAAACTTTATTACAACACTTAAAATC-3'

ClinVar aggregate classification (germline): Likely benign. Review status: criteria provided, multiple submitters, no conflicts (2 of 4 stars). 2 submissions from 2 submitters: Likely benign (2). Last evaluated 2025-04-22.

Conditions:
Familial adenomatous polyposis 1 (FAP1). Also called: POLYPOSIS, ADENOMATOUS INTESTINAL; FAMILIAL ADENOMATOUS POLYPOSIS 1, ATTENUATED. Identifiers: MedGen C2713442, MONDO:0021056, OMIM 175100. Disease mechanism: loss of function.

Allele frequency attached by ClinVar (database versions not stated): gnomAD exomes below 0.00001.
gnomAD v4.1: 3 of 1,608,860 alleles (0.00019%); highest among the groups gnomAD compares: African/African-American, 0.0013%; no homozygotes.

Submissions (2):

Labcorp Genetics (formerly Invitae), Labcorp
Classification: Likely benign for Familial adenomatous polyposis 1. Last evaluated: 2025-04-22. Review status: criteria provided, single submitter. Criteria: Invitae Variant Classification Sherloc (09022015). Collection method: clinical testing. Allele origin: germline.

Myriad Genetics, Inc.
Classification: Likely benign for Familial adenomatous polyposis 1. Last evaluated: 2024-03-08. Review status: criteria provided, single submitter. Criteria: Myriad Autosomal Dominant, Autosomal Recessive and X-Linked Classification Criteria (2023). Collection method: clinical testing. Allele origin: unknown.
Comment: This variant is considered likely benign. This variant is intronic and is not expected to impact mRNA splicing.